The following is an entry in ClinVar:

ClinVar aggregate classification (germline): Uncertain significance (1 of 4 stars; one submission).

gnomAD v4.1: 3 of 1,614,192 alleles (0.00019%); highest among the groups gnomAD compares: East Asian, 0.0045%; no homozygotes.

Submission:

Labcorp Genetics (formerly Invitae), Labcorp
Classification: Uncertain significance. Last evaluated: 2022-08-07. Review status: criteria provided, single submitter. Criteria: Invitae Variant Classification Sherloc (09022015). Collection method: clinical testing. Allele origin: germline.
Comment: This variant is not present in population databases (gnomAD no frequency). This sequence change replaces threonine, which is neutral and polar, with isoleucine, which is neutral and non-polar, at codon 79 of the REN protein (p.Thr79Ile). This variant has not been reported in the literature in individuals affected with REN-related conditions. Algorithms developed to predict the effect of missense changes on protein structure and function (SIFT, PolyPhen-2, Align-GVGD) all suggest that this variant is likely to be tolerated. In summary, the available evidence is currently insufficient to determine the role of this variant in disease. Therefore, it has been classified as a Variant of Uncertain Significance.

NM_000537.4(REN):c.236C>T (p.Thr79Ile)

Gene: REN (renin; minus strand). Cytogenetic location: 1q32.1.
Variant type: single nucleotide variant.
Coding change: c.236C>T on transcript NM_000537.4 (MANE Select); coding-DNA position 236, C replaced by T.
Protein change: p.Thr79Ile; replaces threonine 79 with isoleucine.
Molecular consequence: missense variant.
Genome position (GRCh38, 1-based): chr1:204,162,026, G>A on the plus strand (C>T on the coding strand, the complement: REN is on the minus strand). VCF-style: chr1-204162026-G-A. GRCh37 (hg19) VCF-style: chr1-204131154-G-A.
Other names: short protein forms T79I.
Identifiers: ClinVar variation 1715610 (VCV001715610.5), dbSNP rs778600672, ClinGen allele CA344341511.